The following is an entry in ClinVar:

ClinVar aggregate classification (germline): Uncertain significance (1 of 4 stars; one submission).

Submission:

GeneDx
Classification: Uncertain significance. Last evaluated: 2022-10-13. Review status: criteria provided, single submitter. Criteria: GeneDx Variant Classification Process June 2021. Collection method: clinical testing. Allele origin: germline. Affected: yes.
Comment: Not observed at significant frequency in large population cohorts (gnomAD); In silico analysis supports that this missense variant has a deleterious effect on protein structure/function; Has not been previously published as pathogenic or benign to our knowledge

NM_004818.3(DDX23):c.489C>G (p.Phe163Leu)

Gene: DDX23 (DEAD-box helicase 23; minus strand). Cytogenetic location: 12q13.12.
Variant type: single nucleotide variant.
Coding change: c.489C>G on transcript NM_004818.3 (MANE Select); coding-DNA position 489, C replaced by G.
Protein change: p.Phe163Leu; replaces phenylalanine 163 with leucine.
Molecular consequence: missense variant.
Genome position (GRCh38, 1-based): chr12:48,838,072, G>C on the plus strand (C>G on the coding strand, the complement: DDX23 is on the minus strand). VCF-style: chr12-48838072-G-C. GRCh37 (hg19) VCF-style: chr12-49231855-G-C.
Other names: short protein forms F163L.
Identifiers: ClinVar variation 2499199 (VCV002499199.1), dbSNP rs1938491472, ClinGen allele CA384680408.